The following is an entry in ClinVar:

ClinVar aggregate classification (germline): Uncertain significance. Review status: criteria provided, multiple submitters, no conflicts (2 of 4 stars). 2 submissions from 2 submitters: Uncertain significance (2). Last evaluated 2022-02-15.

Conditions:
Donnai-Barrow syndrome. Also called: DBS/FOAR SYNDROME; FACIOOCULOACOUSTICORENAL SYNDROME. Identifiers: Orphanet 2143, MedGen C1857277, MONDO:0009104, OMIM 222448.

Allele frequency attached by ClinVar (database versions not stated): gnomAD exomes below 0.00001; TOPMed 0.00001.
gnomAD v4.1: 1 of 1,614,238 alleles (0.000062%); highest among the groups gnomAD compares: Admixed American, 0.0017%; no homozygotes.

Submissions (2):

Fulgent Genetics
Classification: Uncertain significance for Donnai-Barrow syndrome. Last evaluated: 2022-02-15. Review status: criteria provided, single submitter. Criteria: ACMG Guidelines, 2015. Collection method: clinical testing. Allele origin: unknown.

Labcorp Genetics (formerly Invitae), Labcorp
Classification: Uncertain significance. Last evaluated: 2021-12-25. Review status: criteria provided, single submitter. Criteria: Invitae Variant Classification Sherloc (09022015). Collection method: clinical testing. Allele origin: germline.
Comment: This sequence change replaces leucine, which is neutral and non-polar, with tryptophan, which is neutral and slightly polar, at codon 2403 of the LRP2 protein (p.Leu2403Trp). This variant is present in population databases (no rsID available, gnomAD 0.003%). This variant has not been reported in the literature in individuals affected with LRP2-related conditions. Algorithms developed to predict the effect of missense changes on protein structure and function are either unavailable or do not agree on the potential impact of this missense change (SIFT: "Deleterious"; PolyPhen-2: "Probably Damaging"; Align-GVGD: "Class C0"). In summary, the available evidence is currently insufficient to determine the role of this variant in disease. Therefore, it has been classified as a Variant of Uncertain Significance.

NM_004525.3(LRP2):c.7208T>G (p.Leu2403Trp)

Gene: LRP2 (LDL receptor related protein 2; minus strand). Cytogenetic location: 2q31.1.
Variant type: single nucleotide variant.
Coding change: c.7208T>G on transcript NM_004525.3 (MANE Select); coding-DNA position 7208, T replaced by G.
Protein change: p.Leu2403Trp; replaces leucine 2403 with tryptophan.
Molecular consequence: missense variant.
Genome position (GRCh38, 1-based): chr2:169,206,512, A>C on the plus strand (T>G on the coding strand, the complement: LRP2 is on the minus strand). VCF-style: chr2-169206512-A-C. GRCh37 (hg19) VCF-style: chr2-170063022-A-C.
Other names: short protein forms L2403W.
Identifiers: ClinVar variation 1400295 (VCV001400295.5), dbSNP rs1209440404, ClinGen allele CA349171316.